The following is an entry in ClinVar:

ClinVar aggregate classification (germline): Uncertain significance (1 of 4 stars; one submission).

Conditions:
Hereditary cancer-predisposing syndrome. Also called: Neoplastic Syndromes, Hereditary; Tumor predisposition; Hereditary neoplastic syndrome; Hereditary Cancer Syndrome. Identifiers: Orphanet 140162, MedGen C0027672, MeSH D009386, MONDO:0015356.

Submission:

Ambry Genetics
Classification: Uncertain significance for Hereditary cancer-predisposing syndrome. Last evaluated: 2024-02-16. Review status: criteria provided, single submitter. Criteria: Ambry Variant Classification Scheme 2023. Collection method: clinical testing. Allele origin: germline.
Comment: The p.C914S variant (also known as c.2740T>A), located in coding exon 15 of the APC gene, results from a T to A substitution at nucleotide position 2740. The cysteine at codon 914 is replaced by serine, an amino acid with dissimilar properties. This amino acid position is well conserved in available vertebrate species. In addition, in silico predictors for this gene do not accurately predict pathogenicity. Based on the available evidence, the clinical significance of this alteration remains unclear.

NM_000038.6(APC):c.2740T>A (p.Cys914Ser)

Gene: APC (APC regulator of Wnt signaling pathway; plus strand). Cytogenetic location: 5q22.2.
Variant type: single nucleotide variant.
Coding change: c.2740T>A on transcript NM_000038.6 (MANE Select); coding-DNA position 2740, T replaced by A.
Protein change: p.Cys914Ser; replaces cysteine 914 with serine.
Molecular consequence: missense variant. On other transcripts: non-coding transcript variant (2).
Genome position (GRCh38, 1-based): chr5:112,838,334, T>A. VCF-style: chr5-112838334-T-A. GRCh37 (hg19) VCF-style: chr5-112174031-T-A.
Other names: c.2740T>A, p.Cys914Ser (NM_001127510.3, NM_001354895.2, NM_001407450.1); c.2686T>A, p.Cys896Ser (NM_001127511.3); c.2794T>A, p.Cys932Ser (NM_001354896.2, NM_001407447.1, NM_001407448.1 and 1 more transcripts); c.2770T>A, p.Cys924Ser (NM_001354897.2); c.2665T>A, p.Cys889Ser (NM_001354898.2); c.2656T>A, p.Cys886Ser (NM_001354899.2); c.2617T>A, p.Cys873Ser (NM_001354900.2); c.2563T>A, p.Cys855Ser (NM_001354901.2, NM_001407453.1); and 11 more; short protein forms C530S, C631S, C754S, C785S, C788S, C813S, C823S, C831S.
Identifiers: ClinVar variation 3226133 (VCV003226133.1), dbSNP rs1554084426, ClinGen allele CA16027306.